The following is an entry in ClinVar:

NM_032730.5(RTN4IP1):c.77A>C (p.Gln26Pro)

Gene: RTN4IP1 (reticulon 4 interacting protein 1; minus strand). Cytogenetic location: 6q21.
Variant type: single nucleotide variant.
Coding change: c.77A>C on transcript NM_032730.5 (MANE Select); coding-DNA position 77, A replaced by C.
Protein change: p.Gln26Pro; replaces glutamine 26 with proline.
Molecular consequence: missense variant. On other transcripts: intron variant (1).
Genome position (GRCh38, 1-based): chr6:106,628,945, T>G on the plus strand (A>C on the coding strand, the complement: RTN4IP1 is on the minus strand). VCF-style: chr6-106628945-T-G. GRCh37 (hg19) VCF-style: chr6-107076820-T-G.
Other names: c.-27+1382A>C (NM_001318746.1); short protein forms Q26P.
Identifiers: ClinVar variation 1511279 (VCV001511279.8), dbSNP rs771974139, ClinGen allele CA365169169.

ClinVar aggregate classification (germline): Uncertain significance (1 of 4 stars; one submission).

Submission:

Labcorp Genetics (formerly Invitae), Labcorp
Classification: Uncertain significance. Last evaluated: 2021-02-17. Review status: criteria provided, single submitter. Criteria: Invitae Variant Classification Sherloc (09022015). Collection method: clinical testing. Allele origin: germline.
Comment: This sequence change replaces glutamine with proline at codon 26 of the RTN4IP1 protein (p.Gln26Pro). The glutamine residue is weakly conserved and there is a moderate physicochemical difference between glutamine and proline. This variant is not present in population databases (ExAC no frequency). This variant has not been reported in the literature in individuals with RTN4IP1-related conditions. Algorithms developed to predict the effect of missense changes on protein structure and function output the following: SIFT: "Tolerated"; PolyPhen-2: "Benign"; Align-GVGD: "Class C0". The proline amino acid residue is found in multiple mammalian species, suggesting that this missense change does not adversely affect protein function. These predictions have not been confirmed by published functional studies and their clinical significance is uncertain. In summary, the available evidence is currently insufficient to determine the role of this variant in disease. Therefore, it has been classified as a Variant of Uncertain Significance.